The following is an entry in ClinVar:

NM_006766.5(KAT6A):c.4382A>G (p.Gln1461Arg)

Gene: KAT6A (lysine acetyltransferase 6A; minus strand). Cytogenetic location: 8p11.21.
Variant type: single nucleotide variant.
Coding change: c.4382A>G on transcript NM_006766.5 (MANE Select); coding-DNA position 4382, A replaced by G.
Protein change: p.Gln1461Arg; replaces glutamine 1461 with arginine.
Molecular consequence: missense variant.
Genome position (GRCh38, 1-based): chr8:41,933,838, T>C on the plus strand (A>G on the coding strand, the complement: KAT6A is on the minus strand). VCF-style: chr8-41933838-T-C. GRCh37 (hg19) VCF-style: chr8-41791356-T-C.
Other names: short protein forms Q1461R.
Identifiers: ClinVar variation 1986384 (VCV001986384.4), dbSNP rs371614477, ClinGen allele CA4729497.

ClinVar aggregate classification (germline): Uncertain significance (1 of 4 stars; one submission).

Allele frequency attached by ClinVar (database versions not stated): TOPMed below 0.00001; gnomAD 0.00001; gnomAD exomes 0.00001; ExAC 0.00002; ESP Exome Variant Server 0.00008.
gnomAD v4.1: 19 of 1,614,030 alleles (0.0012%); highest among the groups gnomAD compares: Non-Finnish European, 0.0015%; no homozygotes.

Submission:

Labcorp Genetics (formerly Invitae), Labcorp
Classification: Uncertain significance. Last evaluated: 2024-05-06. Review status: criteria provided, single submitter. Criteria: Invitae Variant Classification Sherloc (09022015). Collection method: clinical testing. Allele origin: germline.
Comment: This sequence change replaces glutamine, which is neutral and polar, with arginine, which is basic and polar, at codon 1461 of the KAT6A protein (p.Gln1461Arg). This variant is present in population databases (rs371614477, gnomAD 0.002%). This variant has not been reported in the literature in individuals affected with KAT6A-related conditions. ClinVar contains an entry for this variant (Variation ID: 1986384). Advanced modeling of protein sequence and biophysical properties (such as structural, functional, and spatial information, amino acid conservation, physicochemical variation, residue mobility, and thermodynamic stability) performed at Invitae indicates that this missense variant is not expected to disrupt KAT6A protein function with a negative predictive value of 80%. In summary, the available evidence is currently insufficient to determine the role of this variant in disease. Therefore, it has been classified as a Variant of Uncertain Significance.